The following is an entry in ClinVar:

ClinVar aggregate classification (germline): Pathogenic/Likely pathogenic. Review status: criteria provided, multiple submitters, no conflicts (2 of 4 stars). 2 submissions from 2 submitters: Pathogenic (1); Likely pathogenic (1). Last evaluated 2022-07-12.

Conditions:
Intellectual developmental disorder, autosomal dominant 1. Also called: MBD5 Haploinsufficiency; Intellectual disability, autosomal dominant 1. Identifiers: Orphanet 228402, MedGen C1969562, MONDO:0007974, OMIM 156200.

Submissions (2):

Labcorp Genetics (formerly Invitae), Labcorp
Classification: Pathogenic for Intellectual developmental disorder, autosomal dominant 1. Last evaluated: 2022-07-12. Review status: criteria provided, single submitter. Criteria: Invitae Variant Classification Sherloc (09022015). Collection method: clinical testing. Allele origin: germline.
Comment: This sequence change creates a premature translational stop signal (p.Gln813*) in the MBD5 gene. It is expected to result in an absent or disrupted protein product. Loss-of-function variants in MBD5 are known to be pathogenic (PMID: 23422940, 23587880). This variant is not present in population databases (gnomAD no frequency). This variant has not been reported in the literature in individuals affected with MBD5-related conditions. ClinVar contains an entry for this variant (Variation ID: 393195). For these reasons, this variant has been classified as Pathogenic.

GeneDx
Classification: Likely pathogenic. Last evaluated: 2017-01-31. Review status: criteria provided, single submitter. Criteria: GeneDx Variant Classification (06012015). Collection method: clinical testing. Allele origin: germline. Affected: yes.
Comment: A novel Q813X variant that is likely pathogenic has been identified in the MBD5 gene. The Q813X variant is not observed in large population cohorts (Lek et al., 2016; 1000 Genomes Consortium et al., 2015; Exome Variant Server). The Q813X nonsense variant in the MBD5 gene is predicted to cause loss of normal protein function either through protein truncation or nonsense-mediated mRNA decay. Therefore, this variant is likely pathogenic; however, the possibility that it is benign cannot be excluded.

Literature cited by the submitters: PubMed 23422940 (cited by Labcorp Genetics (formerly Invitae), Labcorp); PubMed 23587880 (cited by Labcorp Genetics (formerly Invitae), Labcorp).

NM_001378120.1(MBD5):c.2437C>T (p.Gln813Ter)

Gene: MBD5 (methyl-CpG binding domain protein 5; plus strand). Cytogenetic location: 2q23.1.
Variant type: single nucleotide variant.
Coding change: c.2437C>T on transcript NM_001378120.1 (MANE Select); coding-DNA position 2437, C replaced by T.
Protein change: p.Gln813Ter; replaces glutamine 813 with a stop codon.
Molecular consequence: nonsense.
Genome position (GRCh38, 1-based): chr2:148,470,380, C>T. VCF-style: chr2-148470380-C-T. GRCh37 (hg19) VCF-style: chr2-149227949-C-T.
Other names: c.2437C>T, p.Gln813Ter (NM_018328.5); short protein forms Q813*.
Identifiers: ClinVar variation 393195 (VCV000393195.9), dbSNP rs1057524832, ClinGen allele CA16603905.